The following is an entry in ClinVar:

ClinVar aggregate classification (germline): Uncertain significance. Review status: criteria provided, multiple submitters, no conflicts (2 of 4 stars). 4 submissions from 4 submitters: Uncertain significance (3). 1 of the submissions does not count toward it. Last evaluated 2026-01-15.

Conditions:
Hereditary cancer-predisposing syndrome. Also called: Neoplastic Syndromes, Hereditary; Hereditary neoplastic syndrome; Tumor predisposition; Hereditary Cancer Syndrome. Identifiers: Orphanet 140162, MedGen C0027672, MeSH D009386, MONDO:0015356.

Allele frequency attached by ClinVar (database versions not stated): TOPMed below 0.00001; gnomAD 0.00001.

Submissions (4):

Ambry Genetics
Classification: Uncertain significance for Hereditary cancer-predisposing syndrome. Last evaluated: 2026-01-15. Review status: criteria provided, single submitter. Criteria: Ambry Variant Classification Scheme 2023. Collection method: clinical testing. Allele origin: germline.
Comment: The p.G433V variant (also known as c.1298G>T), located in coding exon 13 of the POLE gene, results from a G to T substitution at nucleotide position 1298. The glycine at codon 433 is replaced by valine, an amino acid with dissimilar properties. This amino acid position is highly conserved in available vertebrate species. In addition, the in silico prediction for this alteration is inconclusive. Based on the available evidence, the clinical significance of this variant remains unclear.

Labcorp Genetics (formerly Invitae), Labcorp
Classification: Uncertain significance. Last evaluated: 2025-08-31. Review status: criteria provided, single submitter. Criteria: Invitae Variant Classification Sherloc (09022015). Collection method: clinical testing. Allele origin: germline.
Comment: This sequence change replaces glycine, which is neutral and non-polar, with valine, which is neutral and non-polar, at codon 433 of the POLE protein (p.Gly433Val). This variant is not present in population databases (gnomAD no frequency). This variant has not been reported in the literature in individuals affected with POLE-related conditions. ClinVar contains an entry for this variant (Variation ID: 652026). Invitae Evidence Modeling of protein sequence and biophysical properties (such as structural, functional, and spatial information, amino acid conservation, physicochemical variation, residue mobility, and thermodynamic stability) has been performed for this missense variant. However, the output from this modeling did not meet the statistical confidence thresholds required to predict the impact of this variant on POLE protein function. In summary, the available evidence is currently insufficient to determine the role of this variant in disease. Therefore, it has been classified as a Variant of Uncertain Significance.

Quest Diagnostics Nichols Institute San Juan Capistrano
Classification: Uncertain significance. Last evaluated: 2020-02-11. Review status: criteria provided, single submitter. Criteria: Quest Diagnostics criteria. Collection method: clinical testing. Allele origin: unknown.

Department of Pathology and Laboratory Medicine, Sinai Health System
Classification: Uncertain significance. Review status: no assertion criteria provided. Collection method: clinical testing. Allele origin: unknown. Affected: yes. Study: The Canadian Open Genetics Repository (COGR). Not counted in ClinVar's aggregate classification.
Comment: The POLE p.Gly433Val variant was not identified in the literature nor was it identified in ClinVar or Cosmic. The variant was identified in dbSNP (ID: rs1465684132). The variant was not identified in the following control databases: the 1000 Genomes Project, the NHLBI GO Exome Sequencing Project, the Exome Aggregation Consortium (August 8th 2016), or the Genome Aggregation Database (Feb 27, 2017). The variant occurs outside of the splicing consensus sequence and 3 of 4 in silico or computational prediction software programs (MaxEntScan, NNSPLICE, GeneSplicer) do not predict a difference in splicing. The p.Gly433 residue is conserved in mammals and computational analyses (PolyPhen-2, SIFT, AlignGVGD, BLOSUM, MutationTaster) provide inconsistent predictions regarding the impact to the protein; this information is not very predictive of pathogenicity. In summary, based on the above information the clinical significance of this variant cannot be determined with certainty at this time. This variant is classified as a variant of uncertain significance.

NM_006231.4(POLE):c.1298G>T (p.Gly433Val)

Gene: POLE (DNA polymerase epsilon, catalytic subunit; minus strand). Cytogenetic location: 12q24.33.
Variant type: single nucleotide variant.
Coding change: c.1298G>T on transcript NM_006231.4 (MANE Select); coding-DNA position 1298, G replaced by T.
Protein change: p.Gly433Val; replaces glycine 433 with valine.
Molecular consequence: missense variant.
Genome position (GRCh38, 1-based): chr12:132,673,636, C>A on the plus strand (G>T on the coding strand, the complement: POLE is on the minus strand). VCF-style: chr12-132673636-C-A. GRCh37 (hg19) VCF-style: chr12-133250222-C-A.
Other names: short protein forms G433V.
Identifiers: ClinVar variation 652026 (VCV000652026.19), dbSNP rs1465684132, ClinGen allele CA387359411.